The following is an entry in ClinVar:

NM_000444.6(PHEX):c.2030_2031dup (p.Phe678fs)

Genes: PHEX (phosphate regulating endopeptidase X-linked; plus strand), PTCHD1-AS (PTCHD1 and PHEX antisense RNA; minus strand). Cytogenetic location: Xp22.11.
Variant type: Microsatellite.
Coding change: c.2030_2031dup on transcript NM_000444.6 (MANE Select); coding-DNA positions 2030 to 2031, 2 bases duplicated (CA; older notation c.2030_2031dupCA).
Protein change: p.Phe678fs; shifts the reading frame from phenylalanine 678.
Molecular consequence: frameshift variant. On other transcripts: non-coding transcript variant (1).
Genome position (GRCh38, 1-based): chrX:22,227,571-22,227,572, CA duplicated; duplicating any 2 consecutive bases within chrX:22,227,569-22,227,572 gives the same sequence; the c. name uses the placement nearest the transcript's 3' end. VCF-style (leftmost placement, unchanged base first): chrX-22227568-T-TCA. GRCh37 (hg19) VCF-style: chrX-22245685-T-TCA.
Other names: c.2030_2031dup, p.Phe678fs (NM_001282754.2); short protein forms F678fs.
Identifiers: ClinVar variation 1070064 (VCV001070064.7), dbSNP rs2147184743, ClinGen allele CA2580616908.

ClinVar aggregate classification (germline): Pathogenic (1 of 4 stars; one submission).

Submission:

Labcorp Genetics (formerly Invitae), Labcorp
Classification: Pathogenic. Last evaluated: 2020-02-22. Review status: criteria provided, single submitter. Criteria: Invitae Variant Classification Sherloc (09022015). Collection method: clinical testing. Allele origin: germline.
Comment: This sequence change creates a premature translational stop signal (p.Phe678Hisfs*10) in the PHEX gene. It is expected to result in an absent or disrupted protein product. This variant is not present in population databases (ExAC no frequency). This variant has not been reported in the literature in individuals with PHEX-related conditions. Loss-of-function variants in PHEX are known to be pathogenic (PMID: 9097956, 9106524, 19219621). For these reasons, this variant has been classified as Pathogenic.

Literature cited by the submitters: PubMed 9097956; PubMed 9106524; PubMed 19219621.